The following is an entry in ClinVar:

NM_001199753.2(CPT1C):c.676T>C (p.Trp226Arg)

Gene: CPT1C (carnitine palmitoyltransferase 1C; plus strand). Cytogenetic location: 19q13.33.
Variant type: single nucleotide variant.
Coding change: c.676T>C on transcript NM_001199753.2 (MANE Select); coding-DNA position 676, T replaced by C.
Protein change: p.Trp226Arg; replaces tryptophan 226 with arginine.
Molecular consequence: missense variant. On other transcripts: non-coding transcript variant (1).
Genome position (GRCh38, 1-based): chr19:49,701,617, T>C. VCF-style: chr19-49701617-T-C. GRCh37 (hg19) VCF-style: chr19-50204874-T-C.
Other names: c.676T>C, p.Trp226Arg (NM_001136052.3, NM_001199752.3, NM_001378482.1 and 7 more transcripts); short protein forms W226R.
Identifiers: ClinVar variation 3619541 (VCV003619541.2).

ClinVar aggregate classification (germline): Uncertain significance (1 of 4 stars; one submission).

Conditions:
Hereditary spastic paraplegia 73. Also called: Spastic paraplegia 73, autosomal dominant. Identifiers: Orphanet 444099, MedGen C5568981, MONDO:0014568, OMIM 616282.

gnomAD v4.1: 10 of 1,604,746 alleles (0.00062%); highest among the groups gnomAD compares: Non-Finnish European, 0.00068%; no homozygotes.

Submission:

Labcorp Genetics (formerly Invitae), Labcorp
Classification: Uncertain significance for Hereditary spastic paraplegia 73. Last evaluated: 2025-08-15. Review status: criteria provided, single submitter. Criteria: Invitae Variant Classification Sherloc (09022015). Collection method: clinical testing. Allele origin: germline.
Comment: This sequence change replaces tryptophan, which is neutral and slightly polar, with arginine, which is basic and polar, at codon 226 of the CPT1C protein (p.Trp226Arg). The frequency data for this variant in the population databases is considered unreliable, as metrics indicate poor data quality at this position in the gnomAD database. This variant has not been reported in the literature in individuals affected with CPT1C-related conditions. ClinVar contains an entry for this variant (Variation ID: 3619541). Invitae Evidence Modeling of protein sequence and biophysical properties (such as structural, functional, and spatial information, amino acid conservation, physicochemical variation, residue mobility, and thermodynamic stability) indicates that this missense variant is not expected to disrupt CPT1C protein function with a negative predictive value of 80%. In summary, the available evidence is currently insufficient to determine the role of this variant in disease. Therefore, it has been classified as a Variant of Uncertain Significance.